The following is an entry in ClinVar:

ClinVar aggregate classification (germline): Uncertain significance. Review status: criteria provided, multiple submitters, no conflicts (2 of 4 stars). 2 submissions from 2 submitters: Uncertain significance (2). Last evaluated 2026-07-07.

Conditions:
Multiple endocrine neoplasia, type 2 (MEN2). Identifiers: Orphanet 653, MedGen C4048306, MONDO:0019003. Disease mechanism: gain of function.
Hereditary cancer-predisposing syndrome. Also called: Hereditary Cancer Syndrome; Hereditary neoplastic syndrome; Neoplastic Syndromes, Hereditary; Tumor predisposition. Identifiers: Orphanet 140162, MedGen C0027672, MeSH D009386, MONDO:0015356.

Submissions (2):

Ambry Genetics
Classification: Uncertain significance for Hereditary cancer-predisposing syndrome. Last evaluated: 2026-07-07. Review status: criteria provided, single submitter. Criteria: Ambry Variant Classification Scheme 2023. Collection method: clinical testing. Allele origin: germline.
Comment: The p.V906L variant (also known as c.2716G>C), located in coding exon 15 of the RET gene, results from a G to C substitution at nucleotide position 2716. The valine at codon 906 is replaced by leucine, an amino acid with highly similar properties. This amino acid position is conserved. In addition, the in silico prediction for this alteration is inconclusive. Based on the available evidence, the clinical significance of this variant remains unclear.

Labcorp Genetics (formerly Invitae), Labcorp
Classification: Uncertain significance for Multiple endocrine neoplasia, type 2. Last evaluated: 2026-01-26. Review status: criteria provided, single submitter. Criteria: Invitae Variant Classification Sherloc (09022015). Collection method: clinical testing. Allele origin: germline.
Comment: This sequence change replaces valine, which is neutral and non-polar, with leucine, which is neutral and non-polar, at codon 906 of the RET protein (p.Val906Leu). This variant is not present in population databases (gnomAD no frequency). This variant has not been reported in the literature in individuals affected with RET-related conditions. An algorithm developed to predict the effect of missense changes on protein structure and function (PolyPhen-2) suggests that this variant is likely to be disruptive. In summary, the available evidence is currently insufficient to determine the role of this variant in disease. Therefore, it has been classified as a Variant of Uncertain Significance.

NM_020975.6(RET):c.2716G>C (p.Val906Leu)

Gene: RET (ret proto-oncogene; plus strand). Cytogenetic location: 10q11.21.
Variant type: single nucleotide variant.
Coding change: c.2716G>C on transcript NM_020975.6 (MANE Select); coding-DNA position 2716, G replaced by C.
Protein change: p.Val906Leu; replaces valine 906 with leucine.
Molecular consequence: missense variant.
Genome position (GRCh38, 1-based): chr10:43,120,189, G>C. VCF-style: chr10-43120189-G-C. GRCh37 (hg19) VCF-style: chr10-43615637-G-C.
Other names: c.1954G>C, p.Val652Leu (NM_001355216.2); c.2716G>C, p.Val906Leu (NM_001406743.1, NM_001406744.1, NM_001406759.1 and 2 more transcripts); c.2587G>C, p.Val863Leu (NM_001406761.1, NM_001406762.1, NM_001406764.1); c.2581G>C, p.Val861Leu (NM_001406763.1, NM_001406765.1); c.2428G>C, p.Val810Leu (NM_001406766.1, NM_001406767.1, NM_001406770.1); c.2452G>C, p.Val818Leu (NM_001406768.1); c.2320G>C, p.Val774Leu (NM_001406769.1, NM_001406772.1); c.2278G>C, p.Val760Leu (NM_001406771.1, NM_001406773.1); and 10 more; short protein forms V471L, V731L, V774L, V863L, V906L, V562L, V564L, V652L.
Identifiers: ClinVar variation 4711158 (VCV004711158.2).
Genomic context (GRCh38, chr10:43,120,189, plus strand): 5'-CGGAAGATGAAGATTTCGGATTTCGGCTTGTCCCGAGATGTTTATGAAGAGGATTCCTAC[G>C]TGAAGAGGAGCCAGGTGCCCAGTCCCGGGGATGAGGCGGGGCTCCCAGGGATCCCAGGTG-3'
Protein context (NP_066124.1, residues 896-916): SRDVYEEDSY[Val906Leu]KRSQGRIPVK